The following is an entry in ClinVar:

ClinVar aggregate classification (germline): Conflicting classifications of pathogenicity. Review status: criteria provided, conflicting classifications (1 of 4 stars). 4 submissions from 4 submitters: Uncertain significance (1); Benign (1); Likely benign (2). Last evaluated 2026-01-24.

Allele frequency attached by ClinVar (database versions not stated): gnomAD exomes 0.00011 and 0.00036; ExAC 0.00044; 1000 Genomes Project 30x 0.00125; ESP Exome Variant Server 0.00131; gnomAD 0.00138 and 0.00144; TOPMed 0.00155; 1000 Genomes Project 0.00160.
gnomAD v4.1: 386 of 1,526,586 alleles (0.025%); highest among the groups gnomAD compares: African/African-American, 0.46%; 1 homozygote.

Submissions (4):

Labcorp Genetics (formerly Invitae), Labcorp
Classification: Benign. Last evaluated: 2026-01-24. Review status: criteria provided, single submitter. Criteria: Invitae Variant Classification Sherloc (09022015). Collection method: clinical testing. Allele origin: germline.

Blueprint Genetics
Classification: Likely benign. Last evaluated: 2024-06-27. Review status: criteria provided, single submitter. Criteria: ACMG Guidelines, 2015. Collection method: clinical testing. Allele origin: germline.

CeGaT Center for Human Genetics Tuebingen
Classification: Likely benign. Last evaluated: 2022-11-01. Review status: criteria provided, single submitter. Criteria: CeGaT Center For Human Genetics Tuebingen Variant Classification Criteria Version 2. Collection method: clinical testing. Allele origin: germline. Affected: yes. Observed: 1 variant allele.
Comment: PEX11B: BP4, BP7

Eurofins Ntd Llc (ga)
Classification: Uncertain significance. Last evaluated: 2018-07-03. Review status: criteria provided, single submitter. Criteria: EGL ClinVar v180209 classification definitions. Collection method: clinical testing. Allele origin: germline. Observed: 12 variant alleles, 12 heterozygotes.

NM_003846.3(PEX11B):c.483A>G (p.Gly161=)

Gene: PEX11B (peroxisomal biogenesis factor 11 beta; minus strand). Cytogenetic location: 1q21.1.
Variant type: single nucleotide variant.
Coding change: c.483A>G on transcript NM_003846.3 (MANE Select); coding-DNA position 483, A replaced by G.
Protein change: p.Gly161=; no amino-acid change (glycine 161 retained).
Molecular consequence: synonymous variant. On other transcripts: non-coding transcript variant (3).
Genome position (GRCh38, 1-based): chr1:145,912,458, T>C on the plus strand (A>G on the coding strand, the complement: PEX11B is on the minus strand). VCF-style: chr1-145912458-T-C. GRCh37 (hg19) VCF-style: chr1-145522622-A-G.
Other names: c.441A>G, p.Gly147= (NM_001184795.1).
Identifiers: ClinVar variation 286117 (VCV000286117.39), dbSNP rs148000769, ClinGen allele CA1055617.
Genomic context (GRCh38, chr1:145,912,458, plus strand): 5'-TCCTCCTGGAGTCCCTGGTCCCCCAAGTCCCCCAGTTTCACTTCCTCCTGGGACTCCTCC[T>C]CCAGAACCTTTCAGTCGCCGGCTACAAGCAGAAGACTCTTGCTCCATCAGTAGGCGAATC-3'
Protein context (NP_003837.1, residues 151-171): SACSRRLKGS[Gly161=]GGVPGGSETG